The following is an entry in ClinVar:

NM_001384732.1(CPLANE1):c.1248T>G (p.Asp416Glu)

Gene: CPLANE1 (ciliogenesis and planar polarity effector complex subunit 1; minus strand). Cytogenetic location: 5p13.2.
Variant type: single nucleotide variant.
Coding change: c.1248T>G on transcript NM_001384732.1 (MANE Select); coding-DNA position 1248, T replaced by G.
Protein change: p.Asp416Glu; replaces aspartic acid 416 with glutamic acid.
Molecular consequence: missense variant.
Genome position (GRCh38, 1-based): chr5:37,227,691, A>C on the plus strand (T>G on the coding strand, the complement: CPLANE1 is on the minus strand). VCF-style: chr5-37227691-A-C. GRCh37 (hg19) VCF-style: chr5-37227793-A-C.
Other names: c.1248T>G, p.Asp416Glu (NM_023073.4); short protein forms D416E.
Identifiers: ClinVar variation 2571221 (VCV002571221.27), dbSNP rs1343917306, ClinGen allele CA359505214.

ClinVar aggregate classification (germline): Uncertain significance (1 of 4 stars; one submission).

Submission:

CeGaT Center for Human Genetics Tuebingen
Classification: Uncertain significance. Last evaluated: 2023-05-01. Review status: criteria provided, single submitter. Criteria: CeGaT Center For Human Genetics Tuebingen Variant Classification Criteria Version 2. Collection method: clinical testing. Allele origin: germline. Affected: yes. Observed: 1 variant allele.
Comment: CPLANE1: PM2, BP4